The following is an entry in ClinVar:

ClinVar aggregate classification (germline): Pathogenic. Review status: criteria provided, single submitter (1 of 4 stars). 2 submissions from 2 submitters: Pathogenic (1). 1 of the submissions does not count toward it. Last evaluated 2025-10-21.

Conditions:
Immunodeficiency, common variable, 2 (CVID2). Also called: ANTIBODY DEFICIENCY DUE TO TACI DEFECT; HYPOGAMMAGLOBULINEMIA DUE TO TACI DEFICIENCY. Identifiers: Orphanet 1572, MedGen C3150354, MONDO:0009413, OMIM 240500.
TNFRSF13B-related disorder. Also called: TNFRSF13B-related condition.

Submissions (2):

Labcorp Genetics (formerly Invitae), Labcorp
Classification: Pathogenic for Immunodeficiency, common variable, 2. Last evaluated: 2025-10-21. Review status: criteria provided, single submitter. Criteria: Invitae Variant Classification Sherloc (09022015). Collection method: clinical testing. Allele origin: germline.
Comment: This sequence change creates a premature translational stop signal (p.Gly76Valfs*3) in the TNFRSF13B gene. It is expected to result in an absent or disrupted protein product. Loss-of-function variants in TNFRSF13B are known to be pathogenic (PMID: 16007087, 27123465). This variant is present in population databases (no rsID available, gnomAD 0.0009%). This premature translational stop signal has been observed in individual(s) with common variable immunodeficiency (PMID: 17392798). ClinVar contains an entry for this variant (Variation ID: 657940). For these reasons, this variant has been classified as Pathogenic.

PreventionGenetics, part of Exact Sciences
Classification: Pathogenic for TNFRSF13B-related condition. Last evaluated: 2023-10-27. Review status: no assertion criteria provided. Collection method: clinical testing. Allele origin: germline. Not counted in ClinVar's aggregate classification.
Comment: The TNFRSF13B c.227_231del5 variant is predicted to result in a frameshift and premature protein termination (p.Gly76Valfs*3). This variant has been reported in the heterozygous state in multiple individuals with common variable immunodeficiency (Table 1, Castigli et al. 2007. PubMed ID: 17392798; Table S2, Turro et al. 2020. PubMed ID: 32581362). This variant is reported in 0.00088% of alleles in individuals of European (non-Finnish) descent in gnomAD. Frameshift variants in TNFRSF13B are expected to be pathogenic. This variant is interpreted as pathogenic.

Literature cited by the submitters: PubMed 16007087 (cited by Labcorp Genetics (formerly Invitae), Labcorp); PubMed 27123465 (cited by Labcorp Genetics (formerly Invitae), Labcorp); PubMed 17392798 (cited by Labcorp Genetics (formerly Invitae), Labcorp).

NM_012452.3(TNFRSF13B):c.227_231del (p.Gly76fs)

Gene: TNFRSF13B (TNF receptor superfamily member 13B; minus strand). Cytogenetic location: 17p11.2.
Variant type: Microsatellite.
Coding change: c.227_231del on transcript NM_012452.3 (MANE Select); coding-DNA positions 227 to 231, 5 bases deleted (GCAAG; older notation c.227_231delGCAAG).
Protein change: p.Gly76fs; shifts the reading frame from glycine 76.
Molecular consequence: frameshift variant.
Genome position (GRCh38, 1-based): chr17:16,948,952-16,948,956, CTTGC deleted on the plus strand (GCAAG on the coding strand, the reverse complement: TNFRSF13B is on the minus strand); deleting any 5 consecutive bases within chr17:16,948,952-16,948,961 gives the same sequence; the c. name uses the placement nearest the transcript's 3' end. VCF-style (leftmost placement, unchanged base first): chr17-16948951-ACTTGC-A. GRCh37 (hg19) VCF-style: chr17-16852265-ACTTGC-A.
Other names: c.227_231delGCAAG (NM_012452.2); short protein forms G76fs.
Identifiers: ClinVar variation 657940 (VCV000657940.8), dbSNP rs1265262160, ClinGen allele CA625313748.